The following is an entry in ClinVar:

NM_004333.6(BRAF):c.823G>A (p.Glu275Lys)

Gene: BRAF (B-Raf proto-oncogene, serine/threonine kinase; minus strand). Cytogenetic location: 7q34.
Variant type: single nucleotide variant.
Coding change: c.823G>A on transcript NM_004333.6 (MANE Select); coding-DNA position 823, G replaced by A.
Protein change: p.Glu275Lys; replaces glutamic acid 275 with lysine.
Molecular consequence: missense variant.
Genome position (GRCh38, 1-based): chr7:140,801,449, C>T on the plus strand (G>A on the coding strand, the complement: BRAF is on the minus strand). VCF-style: chr7-140801449-C-T. GRCh37 (hg19) VCF-style: chr7-140501249-C-T.
Other names: c.823G>A, p.Glu275Lys (NM_001378474.1, NM_001354609.2, NM_001374244.1 and 4 more transcripts); c.559G>A, p.Glu187Lys (NM_001378475.1); c.667G>A, p.Glu223Lys (NM_001378472.1, NM_001378473.1); c.832G>A, p.Glu278Lys (NM_001378467.1); c.721G>A, p.Glu241Lys (NM_001378470.1); short protein forms E187K, E223K, E241K, E275K, E278K.
Identifiers: ClinVar variation 1324583 (VCV001324583.11), dbSNP rs2129044284, ClinGen allele CA369590658.

ClinVar aggregate classification (germline): Pathogenic/Likely pathogenic. Review status: criteria provided, multiple submitters, no conflicts (2 of 4 stars). 3 submissions from 3 submitters: Pathogenic (2); Likely pathogenic (1). Last evaluated 2024-02-15.

Conditions:
RASopathy. Also called: Noonan spectrum disorder; rasopathies. Identifiers: Orphanet 536391, MedGen C5555857, MONDO:0021060.
Noonan syndrome 7 (NS7). Also called: BRAF-Related Noonan Syndrome. Identifiers: Orphanet 648, MedGen C3150970, MONDO:0013379, OMIM 613706.

Submissions (3):

3billion
Classification: Pathogenic for Noonan syndrome 7. Last evaluated: 2024-02-15. Review status: criteria provided, single submitter. Criteria: ACMG Guidelines, 2015. Collection method: clinical testing. Allele origin: germline. Affected: yes.
Comment: The variant is not observed in the gnomAD v2.1.1 dataset. Predicted Consequence/Location: The variant is located in a mutational hot spot and/or well-established functional domain in which established pathogenic variants have been reported (PMID: 29493581). Missense changes are a common disease-causing mechanism. In silico tool predictions suggest damaging effect of the variant on gene or gene product [3Cnet: 0.92 (>=0.6, sensitivity 0.72 and precision 0.9)]. Same nucleotide change resulting in same amino acid change has been previously reported as pathogenic/likely pathogenic with strong evidence (ClinVar ID: VCV001324583 /PMID: 19206169). Therefore, this variant is classified as Pathogenic according to the recommendation of ACMG/AMP guideline.

Labcorp Genetics (formerly Invitae), Labcorp
Classification: Pathogenic for RASopathy. Last evaluated: 2021-04-25. Review status: criteria provided, single submitter. Criteria: Invitae Variant Classification Sherloc (09022015). Collection method: clinical testing. Allele origin: germline.
Comment: This variant is not present in population databases (ExAC no frequency). This sequence change replaces glutamic acid with lysine at codon 275 of the BRAF protein (p.Glu275Lys). The glutamic acid residue is highly conserved and there is a small physicochemical difference between glutamic acid and lysine. This variant has been observed in individual(s) with cardio-facio-cutaneous syndrome (PMID: 19206169). In at least one individual the variant was observed to be de novo. Experimental studies have shown that this variant affects BRAF protein function (PMID: 19206169). For these reasons, this variant has been classified as Pathogenic. Advanced modeling of protein sequence and biophysical properties (such as structural, functional, and spatial information, amino acid conservation, physicochemical variation, residue mobility, and thermodynamic stability) performed at Invitae indicates that this missense variant is expected to disrupt BRAF protein function.

Institute of Human Genetics Munich, TUM University Hospital
Classification: Likely pathogenic for Noonan syndrome 7. Last evaluated: 2021-02-02. Review status: criteria provided, single submitter. Criteria: Classification criteria August 2017. Collection method: clinical testing. Allele origin: de novo. Inheritance: Autosomal dominant inheritance. Affected: yes. Observed: 1 variant allele.

Literature cited by the submitters: PubMed 19206169 (cited by 3billion and Labcorp Genetics (formerly Invitae), Labcorp).